The following is an entry in ClinVar:

NM_005236.3(ERCC4):c.16C>T (p.Pro6Ser)

Genes: ERCC4 (ERCC excision repair 4, endonuclease catalytic subunit; plus strand), LOC130058543 (ATAC-STARR-seq lymphoblastoid active region 10486; plus strand). Cytogenetic location: 16p13.12.
Variant type: single nucleotide variant.
Coding change: c.16C>T on transcript NM_005236.3 (MANE Select); coding-DNA position 16, C replaced by T.
Protein change: p.Pro6Ser; replaces proline 6 with serine.
Molecular consequence: missense variant.
Genome position (GRCh38, 1-based): chr16:13,920,181, C>T. VCF-style: chr16-13920181-C-T. GRCh37 (hg19) VCF-style: chr16-14014038-C-T.
Other names: short protein forms P6S.
Identifiers: ClinVar variation 134131 (VCV000134131.77), dbSNP rs61760160, ClinGen allele CA158855.

ClinVar aggregate classification (germline): Conflicting classifications of pathogenicity. Review status: criteria provided, conflicting classifications (1 of 4 stars). 19 submissions from 18 submitters: Uncertain significance (16); Likely benign (1). 2 of the submissions do not count toward it. Last evaluated 2026-02-20.

Conditions:
Xeroderma pigmentosum, group F (XPF). Also called: XERODERMA PIGMENTOSUM VI; XP, GROUP F; XERODERMA PIGMENTOSUM, TYPE F; Xeroderma pigmentosum, type 6; XERODERMA PIGMENTOSUM, COMPLEMENTATION GROUP F; ERCC4-Related Xeroderma Pigmentosum. Identifiers: MedGen C0268140, MONDO:0010215, OMIM 278760.
Cockayne syndrome. Identifiers: Orphanet 191, MedGen C0009207, MONDO:0016006.
Fanconi anemia complementation group Q. Identifiers: Orphanet 84, MedGen C3808988, MONDO:0014108, OMIM 615272.
Inborn genetic diseases. Identifiers: MedGen C0950123, MeSH D030342.
XFE progeroid syndrome (XFEPS). Also called: XPF-ERCC1 PROGEROID SYNDROME. Identifiers: MedGen C1970416, MONDO:0012590, OMIM 610965.
Xeroderma pigmentosum (XP). Identifiers: Orphanet 910, MedGen C0043346, MONDO:0019600.

Allele frequency attached by ClinVar (database versions not stated): 1000 Genomes Project 0.00040; 1000 Genomes Project 30x 0.00047; gnomAD 0.00052 and 0.00056; TOPMed 0.00055; ESP Exome Variant Server 0.00093.
gnomAD v4.1: 983 of 1,605,836 alleles (0.061%); highest among the groups gnomAD compares: Non-Finnish European, 0.079%; no homozygotes.

Submissions (19):

St. Jude Molecular Pathology, St. Jude Children's Research Hospital
Classification: Uncertain significance for Xeroderma pigmentosum, group F. Last evaluated: 2026-02-20. Review status: criteria provided, single submitter. Criteria: St. Jude Assertion Criteria 2020. Collection method: clinical testing. Allele origin: germline.
Comment: The ERCC4 c.16C>T p.(Pro6Ser) missense change has a maximum subpopulation frequency of 0.093% in gnomAD v2.1.1. The in silico tool REVEL is inconclusive about a pathogenic or benign effect of this variant on protein function, and to our knowledge functional studies have not been performed. This variant has been reported in individuals with a personal and/or family history of lung cancer (PMID: 16550608) and breast cancer (PMID: 27153395). To our knowledge, this variant has not been reported in individuals with Fanconi anemia or Xeroderma pigmentosum. In summary, the evidence currently available is insufficient to determine the clinical significance of this variant. It has therefore been classified as of uncertain significance.

Women's Health and Genetics/Laboratory Corporation of America, LabCorp
Classification: Uncertain significance. Last evaluated: 2026-01-12. Review status: criteria provided, single submitter. Criteria: LabCorp Variant Classification Summary - May 2015. Collection method: clinical testing. Allele origin: germline.
Comment: Variant summary: ERCC4 c.16C>T (p.Pro6Ser) results in a non-conservative amino acid change in the encoded protein sequence. Algorithms developed to predict the effect of missense changes on protein structure and function are either unavailable or do not agree on the potential impact of this missense change. The variant allele was found at a frequency of 0.00046 in 242132 control chromosomes. This frequency is not significantly higher than estimated for disease-causing variants in ERCC4, allowing no conclusion about variant significance. c.16C>T has been reported in the literature in at least one heterozygous individual affected with familial early-onset skin cancer without evidence of cosegregation (e.g. Matakidou_2006). These report(s) do not provide unequivocal conclusions about association of the variant with ERCC4-Related Disorders. To our knowledge, no experimental evidence demonstrating an impact on protein function has been reported. The following publication has been ascertained in the context of this evaluation (PMID: 16550608). ClinVar contains an entry for this variant (Variation ID: 134131). Based on the evidence outlined above, the variant was classified as uncertain significance.

CeGaT Center for Human Genetics Tuebingen
Classification: Uncertain significance. Last evaluated: 2025-10-01. Review status: criteria provided, single submitter. Criteria: CeGaT Center For Human Genetics Tuebingen Variant Classification Criteria Version 2. Collection method: clinical testing. Allele origin: germline. Affected: yes. Observed: 3 variant alleles.
Comment: ERCC4: PM2

Dasa
Classification: Uncertain significance. Last evaluated: 2025-04-26. Review status: criteria provided, single submitter. Criteria: DASA Assertion Criteria. Collection method: clinical testing. Allele origin: germline.
Comment: NM_005236.3(ERCC4):c.16C>T (p.Pro6Ser) is a missense variant that results in the substitution of proline with serine. This variant is rare in population databases. Computational prediction algorithms are consistent with a benign effect. The currently available literature and clinical evidence are not sufficient to establish a definitive association between this variant and the reported condition. Therefore, this variant is classified as a variant of uncertain significance.

Labcorp Genetics (formerly Invitae), Labcorp
Classification: Uncertain significance for Fanconi anemia complementation group Q; Xeroderma pigmentosum, group F; Cockayne syndrome. Last evaluated: 2024-12-24. Review status: criteria provided, single submitter. Criteria: Invitae Variant Classification Sherloc (09022015). Collection method: clinical testing. Allele origin: germline.
Comment: This sequence change replaces proline, which is neutral and non-polar, with serine, which is neutral and polar, at codon 6 of the ERCC4 protein (p.Pro6Ser). This variant is present in population databases (rs61760160, gnomAD 0.09%), and has an allele count higher than expected for a pathogenic variant. This missense change has been observed in individual(s) with lung cancer (PMID: 16550608). ClinVar contains an entry for this variant (Variation ID: 134131). An algorithm developed to predict the effect of missense changes on protein structure and function outputs the following: PolyPhen-2: "Benign". The serine amino acid residue is found in multiple mammalian species, which suggests that this missense change does not adversely affect protein function. In summary, the available evidence is currently insufficient to determine the role of this variant in disease. Therefore, it has been classified as a Variant of Uncertain Significance.

Blueprint Genetics
Classification: Likely benign. Last evaluated: 2024-11-26. Review status: criteria provided, single submitter. Criteria: ACMG Guidelines, 2015. Collection method: clinical testing. Allele origin: germline.

St. Jude Molecular Pathology, St. Jude Children's Research Hospital
Classification: Uncertain significance for Fanconi anemia complementation group Q. Last evaluated: 2024-05-02. Review status: criteria provided, single submitter. Criteria: St. Jude Assertion Criteria 2020. Collection method: clinical testing. Allele origin: germline.

Fulgent Genetics
Classification: Uncertain significance for Xeroderma pigmentosum, group F; XFE progeroid syndrome; Fanconi anemia complementation group Q. Last evaluated: 2024-03-29. Review status: criteria provided, single submitter. Criteria: ACMG Guidelines, 2015. Collection method: clinical testing. Allele origin: germline.

Ambry Genetics
Classification: Uncertain significance for Inborn genetic diseases. Last evaluated: 2022-07-04. Review status: criteria provided, single submitter. Criteria: Ambry Variant Classification Scheme 2023. Collection method: clinical testing. Allele origin: germline.

GeneDx
Classification: Uncertain significance. Last evaluated: 2022-03-04. Review status: criteria provided, single submitter. Criteria: GeneDx Variant Classification Process June 2021. Collection method: clinical testing. Allele origin: germline. Affected: yes.
Comment: In silico analysis supports that this missense variant does not alter protein structure/function; Observed in individuals with breast, ovarian, or lung cancer (Matakidou 2006, Maxwell 2016); This variant is associated with the following publications: (PMID: 24728327, 16550608, 27153395)

Institute for Clinical Genetics, University Hospital TU Dresden, University Hospital TU Dresden
Classification: Uncertain significance. Last evaluated: 2021-11-03. Review status: criteria provided, single submitter. Criteria: ACMG Guidelines, 2015. Collection method: clinical testing. Allele origin: germline.

Sema4
Classification: Uncertain significance for Xeroderma pigmentosum. Last evaluated: 2021-09-15. Review status: criteria provided, single submitter. Criteria: Sema4 Curation Guidelines. Collection method: curation. Allele origin: germline.
Comment: The ERCC4 c.16C>T (p.P6S) variant has been reported in heterozygosity in at least one individual with lung cancer (PMID: 16550608). This variant was observed in 118/126480 chromosomes in the Non-Finnish European population, with no homozygotes, according to the Genome Aggregation Database (PMID: 32461654). This variant has been reported in ClinVar (Variation ID: 134131). Functional studies have not been performed, and in silico predictions of the variant's effect on protein function are inconclusive. The evidence is insufficient to meet ACMG/AMP criteria for classifying the variant as benign or pathogenic. Thus, the clinical significance of this variant is currently uncertain.

Baylor Genetics
Classification: Uncertain significance for Fanconi anemia complementation group Q. Last evaluated: 2020-01-13. Review status: criteria provided, single submitter. Criteria: ACMG Guidelines, 2015. Collection method: clinical testing. Allele origin: maternal. Affected: yes. Study: CSER-TexasKidsCanSeq.
Comment: This variant was determined to be of uncertain significance according to ACMG Guidelines, 2015 [PMID:25741868].

Mendelics
Classification: Uncertain significance for Xeroderma pigmentosum, group F. Last evaluated: 2019-05-28. Review status: criteria provided, single submitter. Criteria: Mendelics Assertion Criteria 2017. Collection method: clinical testing. Allele origin: unknown.

Eurofins Ntd Llc (ga)
Classification: Uncertain significance. Last evaluated: 2018-08-02. Review status: criteria provided, single submitter. Criteria: EGL ClinVar v180209 classification definitions. Collection method: clinical testing. Allele origin: germline. Observed: 1 variant allele, 1 heterozygote.

Illumina Laboratory Services, Illumina
Classification: Uncertain significance for Xeroderma pigmentosum, group F. Last evaluated: 2017-04-27. Review status: criteria provided, single submitter. Criteria: ICSL Variant Classification Criteria 13 December 2019. Collection method: clinical testing. Allele origin: germline.

Breakthrough Genomics
Classification: Uncertain significance. Review status: criteria provided, single submitter. Criteria: ACMG Guidelines, 2015. Collection method: not provided. Allele origin: germline. Inheritance: Autosomal recessive inheritance. Affected: yes.

Genetic Services Laboratory, University of Chicago
Classification: Uncertain significance. Last evaluated: 2022-08-18. Review status: no assertion criteria provided. Collection method: clinical testing. Allele origin: germline. Affected: no. Not counted in ClinVar's aggregate classification.
Comment: DNA sequence analysis of the ERCC4 gene demonstrated a sequence change, c.16C>T, in exon 1 that results in an amino acid change, p.Pro6Ser. This sequence change has been previously described in individuals with lung cancer (PMID: 16550608) and breast and/or ovarian cancer (PMID: 27153395). This sequence change has been described in the gnomAD database with a frequency of 0.09% in the European subpopulation (dbSNP rs61760160). The p.Pro6Ser change affects a poorly conserved amino acid residue located in a domain of the ERCC4 protein that is known to be functional. The p.Pro6Ser substitution appears to be benign using several in-silico pathogenicity prediction tools (SIFT, PolyPhen2, Align GVGD, REVEL). Due to insufficient evidences and the lack of functional studies, the clinical significance of the p.Pro6Ser change remains unknown at this time.

ITMI
No classification provided. Condition: AllHighlyPenetrant. Last evaluated: 2013-09-19. Review status: no classification provided. Collection method: reference population. Allele origin: germline. Not counted in ClinVar's aggregate classification.
Comment: Please see associated publication for description of ethnicities

Literature cited by the submitters: PubMed 16550608 (cited by 3 submitters); PubMed 24728327 (cited by ITMI).